The following is an entry in ClinVar:

NM_000531.5(OTC):c.-126_-123dupGGTG

Gene: OTC (ornithine transcarbamylase; plus strand). Cytogenetic location: Xp11.4.
Variant type: Duplication.
Coding change: c.-126_-123dupGGTG on transcript NM_000531.5; 126 bases upstream of the start codon through 123 bases upstream of the start codon, 4 bases duplicated (GGTG).
Molecular consequence: intron variant (on NM_001407092.1).
Genome position (GRCh38, 1-based): chrX:38,352,571-38,352,574, GGTG duplicated; duplicating any 4 consecutive bases within chrX:38,352,570-38,352,574 gives the same sequence; the c. name uses the placement nearest the transcript's 3' end. VCF-style (leftmost placement, unchanged base first): chrX-38352569-A-AGGGT. GRCh37 (hg19) VCF-style: chrX-38211822-A-AGGGT.
Other names: c.-79-47_-79-44dup (NM_001407092.1).
Identifiers: ClinVar variation 4984952 (VCV004984952.1).

ClinVar aggregate classification (germline): Likely benign (1 of 4 stars; one submission).

Conditions:
OTC-related disorder. Also called: OTC-related condition.

Submission:

PreventionGenetics, part of Exact Sciences
Classification: Likely benign for OTC-related condition. Last evaluated: 2025-04-02. Review status: criteria provided, single submitter. Criteria: ACMG Guidelines, 2015. Collection method: clinical testing. Allele origin: germline.
Comment: This variant is classified as likely benign based on ACMG/AMP sequence variant interpretation guidelines (Richards et al. 2015 PMID: 25741868, with internal and published modifications).